The following is an entry in ClinVar:

ClinVar aggregate classification (germline): Uncertain significance. Review status: reviewed by expert panel (3 of 4 stars). 2 submissions from 2 submitters: Uncertain significance (1). 1 of the submissions does not count toward it. Last evaluated 2025-01-15.

Conditions:
Hereditary thrombocytopenia and hematologic cancer predisposition syndrome. Identifiers: Orphanet 71290, MedGen CN281654, MONDO:0011071.
Hereditary thrombocytopenia and hematological cancer predisposition syndrome associated with RUNX1. Also called: PLATELET DISORDER, ASPIRIN-LIKE; RUNX1 Familial Platelet Disorder with Associated Myeloid Malignancies; Familial Platelet Disorder with Propensity to Acute Myelogenous Leukemia; Familial thrombocytopenia with propensity to acute myelogenous leukemia. Identifiers: Orphanet 71290, MedGen C1832388, MeSH C563324, MONDO:0100083, OMIM 601399.

Allele frequency attached by ClinVar (database versions not stated): TOPMed below 0.00001; gnomAD exomes 0.00003.
gnomAD v4.1: 3 of 231,794 alleles (0.0013%); highest among the groups gnomAD compares: Non-Finnish European, 0.0017%; no homozygotes.

Submissions (2):

ClinGen Myeloid Malignancy Variant Curation Expert Panel
Classification: Uncertain significance for Hereditary thrombocytopenia and hematologic cancer predisposition syndrome. Last evaluated: 2025-01-15. Review status: reviewed by expert panel. Criteria: ClinGen MyeloMalig ACMG Specifications v2. Collection method: curation. Allele origin: germline. Inheritance: Autosomal dominant inheritance.
Comment: NM_001754.5(RUNX1):c.*801A>C is a 3' UTR variant is completely absent from all population databases with at least 20x coverage for RUNX1 (PM2_Supporting). In summary, the clinical significance of this variant is uncertain. ACMG/AMP criteria applied, as specified by the Myeloid Malignancy Variant Curation Expert Panel for RUNX1: PM2_Supporting.

Illumina Laboratory Services, Illumina
Classification: Uncertain significance for Hereditary thrombocytopenia and hematological cancer predisposition syndrome associated with RUNX1. Last evaluated: 2018-01-13. Review status: criteria provided, single submitter. Criteria: ICSL Variant Classification Criteria 13 December 2019. Collection method: clinical testing. Allele origin: germline. Not counted in ClinVar's aggregate classification.

NM_001754.5(RUNX1):c.*801A>C

Gene: RUNX1 (RUNX family transcription factor 1; minus strand). Cytogenetic location: 21q22.12.
Variant type: single nucleotide variant.
Coding change: c.*801A>C on transcript NM_001754.5 (MANE Select); 801 bases downstream of the stop codon, A replaced by C.
Molecular consequence: 3 prime UTR variant.
Genome position (GRCh38, 1-based): chr21:34,791,334, T>G on the plus strand (A>C on the coding strand, the complement: RUNX1 is on the minus strand). VCF-style: chr21-34791334-T-G. GRCh37 (hg19) VCF-style: chr21-36163631-T-G.
Other names: c.*801A>C (NM_001001890.3).
Identifiers: ClinVar variation 896107 (VCV000896107.6), dbSNP rs1352217442, ClinGen allele CA748900873.